The following is an entry in ClinVar:

NM_002291.3(LAMB1):c.1985+11C>G

Gene: LAMB1 (laminin subunit beta 1; minus strand). Cytogenetic location: 7q31.1.
Variant type: single nucleotide variant.
Coding change: c.1985+11C>G on transcript NM_002291.3 (MANE Select); 11 bases into the intron after coding-DNA position 1985, C replaced by G.
Molecular consequence: intron variant.
Genome position (GRCh38, 1-based): chr7:107,961,538, G>C on the plus strand (C>G on the coding strand, the complement: LAMB1 is on the minus strand). VCF-style: chr7-107961538-G-C. GRCh37 (hg19) VCF-style: chr7-107601983-G-C.
Identifiers: ClinVar variation 508227 (VCV000508227.11), dbSNP rs192349543, ClinGen allele CA4435811.

ClinVar aggregate classification (germline): Benign/Likely benign. Review status: criteria provided, multiple submitters, no conflicts (2 of 4 stars). 3 submissions from 3 submitters: Benign (1); Likely benign (2). Last evaluated 2025-11-03.

Allele frequency attached by ClinVar (database versions not stated): 1000 Genomes Project 30x 0.00062; 1000 Genomes Project 0.00080; ESP Exome Variant Server 0.00161; TOPMed 0.00180.
gnomAD v4.1: 3,812 of 1,609,198 alleles (0.24%); highest among the groups gnomAD compares: Non-Finnish European, 0.27%; 11 homozygotes.

Submissions (5):

Labcorp Genetics (formerly Invitae), Labcorp
Classification: Benign. Last evaluated: 2025-11-03. Review status: criteria provided, single submitter. Criteria: Invitae Variant Classification Sherloc (09022015). Collection method: clinical testing. Allele origin: germline.

Blueprint Genetics
Classification: Likely benign. Last evaluated: 2024-11-20. Review status: criteria provided, single submitter. Criteria: ACMG Guidelines, 2015. Collection method: clinical testing. Allele origin: germline.

GeneDx
Classification: Likely benign. Last evaluated: 2017-03-17. Review status: criteria provided, single submitter. Criteria: GeneDx Variant Classification (06012015). Collection method: clinical testing. Allele origin: germline. Affected: yes.
Comment: This variant is considered likely benign or benign based on one or more of the following criteria: it is a conservative change, it occurs at a poorly conserved position in the protein, it is predicted to be benign by multiple in silico algorithms, and/or has population frequency not consistent with disease.

Dr. Peter K. Rogan Lab, Western University
No classification provided (evidence only). Condition: Cholangiocarcinoma. Review status: no classification provided. Collection method: in vitro. Allele origin: not applicable. Functional consequence: retained intron. Not counted in ClinVar's aggregate classification.

Dr. Peter K. Rogan Lab, Western University
No classification provided (evidence only). Condition: Malignant tumor of esophagus. Review status: no classification provided. Collection method: in vitro. Allele origin: not applicable. Functional consequence: retained intron. Not counted in ClinVar's aggregate classification.